The following is an entry in ClinVar:

NM_024063.3(AFG2B):c.191G>A (p.Arg64Gln)

Genes: AFG2B (AFG2 AAA ATPase homolog B; plus strand), LOC130056997 (ATAC-STARR-seq lymphoblastoid silent region 6407; plus strand). Cytogenetic location: 15q21.1.
Variant type: single nucleotide variant.
Coding change: c.191G>A on transcript NM_024063.3 (MANE Select); coding-DNA position 191, G replaced by A.
Protein change: p.Arg64Gln; replaces arginine 64 with glutamine.
Molecular consequence: missense variant. On other transcripts: non-coding transcript variant (5).
Genome position (GRCh38, 1-based): chr15:45,402,620, G>A. VCF-style: chr15-45402620-G-A. GRCh37 (hg19) VCF-style: chr15-45694818-G-A.
Other names: c.191G>A, p.Arg64Gln (NM_001323640.2); short protein forms R64Q.
Identifiers: ClinVar variation 1316371 (VCV001316371.3), dbSNP rs867575033, ClinGen allele CA270150083.

ClinVar aggregate classification (germline): Uncertain significance (1 of 4 stars; one submission).

Allele frequency attached by ClinVar (database versions not stated): gnomAD exomes 0.00001.
gnomAD v4.1: 2 of 1,577,874 alleles (0.00013%); highest among the groups gnomAD compares: Admixed American, 0.0018%; no homozygotes.

Submission:

GeneDx
Classification: Uncertain significance. Last evaluated: 2020-06-18. Review status: criteria provided, single submitter. Criteria: GeneDx Variant Classification Process June 2021. Collection method: clinical testing. Allele origin: germline. Affected: yes.
Comment: Variants in candidate genes are classified as variants of uncertain significance in accordance with ACMG guidelines (Richards et al., 2015); Has not been previously published as pathogenic or benign to our knowledge; In silico analysis, which includes protein predictors and evolutionary conservation, supports that this variant does not alter protein structure/function